The following is an entry in ClinVar:

ClinVar aggregate classification (germline): Uncertain significance (1 of 4 stars; one submission).

Submission:

Ambry Genetics
Classification: Uncertain significance. Last evaluated: 2026-07-06. Review status: criteria provided, single submitter. Criteria: Ambry Variant Classification Scheme 2023. Collection method: clinical testing. Allele origin: germline.
Comment: The p.A168G variant (also known as c.503C>G), located in coding exon 1 of the PALLD gene, results from a C to G substitution at nucleotide position 503. The amino acid change results in alanine to glycine at codon 168, an amino acid with similar properties. However, this change occurs in the last base pair of coding exon 1, which makes it likely to have some effect on normal mRNA splicing. This nucleotide position is not well conserved in available vertebrate species. In silico splice site analysis for this alteration is inconclusive. This amino acid position is not well conserved in available vertebrate species. In addition, as a missense substitution this alteration is predicted to be tolerated by in silico analysis. The evidence for this gene-disease relationship is limited; therefore, the clinical significance of this variant is unclear.

NM_001166108.2(PALLD):c.1965-12528C>G

Gene: PALLD (palladin, cytoskeletal associated protein; plus strand). Cytogenetic location: 4q32.3.
Variant type: single nucleotide variant.
Coding change: c.1965-12528C>G on transcript NM_001166108.2 (MANE Select); 12528 bases into the intron before coding-DNA position 1965, C replaced by G.
Molecular consequence: intron variant. On other transcripts: missense variant (1).
Genome position (GRCh38, 1-based): chr4:168,878,394, C>G. VCF-style: chr4-168878394-C-G. GRCh37 (hg19) VCF-style: chr4-169799545-C-G.
Other names: c.503C>G, p.Ala168Gly (NM_001166110.2); c.1965-12528C>G (NM_016081.4); c.819-12528C>G (NM_001166109.2); c.-157-12528C>G (NM_001367570.1, NM_001367568.1, NM_001367567.1 and 1 more transcripts); short protein forms A168G.
Identifiers: ClinVar variation 5026218 (VCV005026218.1).